The following is an entry in ClinVar:

NM_000051.4(ATM):c.1596C>G (p.Cys532Trp)

Gene: ATM (ATM serine/threonine kinase; plus strand). Cytogenetic location: 11q22.3.
Variant type: single nucleotide variant.
Coding change: c.1596C>G on transcript NM_000051.4 (MANE Select); coding-DNA position 1596, C replaced by G.
Protein change: p.Cys532Trp; replaces cysteine 532 with tryptophan.
Molecular consequence: missense variant.
Genome position (GRCh38, 1-based): chr11:108,251,061, C>G. VCF-style: chr11-108251061-C-G. GRCh37 (hg19) VCF-style: chr11-108121788-C-G.
Other names: c.1596C>G, p.Cys532Trp (NM_001351834.2); short protein forms C532W.
Identifiers: ClinVar variation 1332184 (VCV001332184.3), dbSNP rs564050785, ClinGen allele CA382534433.

ClinVar aggregate classification (germline): Uncertain significance (1 of 4 stars; one submission).

Conditions:
Hereditary cancer-predisposing syndrome. Also called: Tumor predisposition; Hereditary Cancer Syndrome; Neoplastic Syndromes, Hereditary; Hereditary neoplastic syndrome. Identifiers: Orphanet 140162, MedGen C0027672, MeSH D009386, MONDO:0015356.

Submission:

Color Diagnostics, LLC DBA Color Health
Classification: Uncertain significance for Hereditary cancer-predisposing syndrome. Last evaluated: 2024-03-07. Review status: criteria provided, single submitter. Criteria: ACMG Guidelines, 2015. Collection method: clinical testing. Allele origin: germline.
Comment: This missense variant replaces cysteine with tryptophan at codon 532 of the ATM protein. Computational prediction is inconclusive regarding the impact of this variant on protein structure and function (internally defined REVEL score threshold 0.5 < inconclusive < 0.7, PMID: 27666373). To our knowledge, functional studies have not been reported for this variant. This variant has not been reported in individuals affected with hereditary cancer in the literature. This variant has not been identified in the general population by the Genome Aggregation Database (gnomAD). The available evidence is insufficient to determine the role of this variant in disease conclusively. Therefore, this variant is classified as a Variant of Uncertain Significance.